The following is an entry in ClinVar:

NM_053025.4(MYLK):c.4904A>C (p.Tyr1635Ser)

Gene: MYLK (myosin light chain kinase; minus strand). Cytogenetic location: 3q21.1.
Variant type: single nucleotide variant.
Coding change: c.4904A>C on transcript NM_053025.4 (MANE Select); coding-DNA position 4904, A replaced by C.
Protein change: p.Tyr1635Ser; replaces tyrosine 1635 with serine.
Molecular consequence: missense variant.
Genome position (GRCh38, 1-based): chr3:123,638,128, T>G on the plus strand (A>C on the coding strand, the complement: MYLK is on the minus strand). VCF-style: chr3-123638128-T-G. GRCh37 (hg19) VCF-style: chr3-123356975-T-G.
Other names: c.4376A>C, p.Tyr1459Ser (NM_001321309.2); c.4697A>C, p.Tyr1566Ser (NM_053026.4, NM_053028.4); c.4904A>C, p.Tyr1635Ser (NM_053027.4); short protein forms Y1459S, Y1566S, Y1635S.
Identifiers: ClinVar variation 1320472 (VCV001320472.7), dbSNP rs2108088974, ClinGen allele CA354225688.

ClinVar aggregate classification (germline): Uncertain significance. Review status: criteria provided, multiple submitters, no conflicts (2 of 4 stars). 2 submissions from 2 submitters: Uncertain significance (2). Last evaluated 2024-09-29.

Conditions:
Aortic aneurysm, familial thoracic 7 (AAT7). Also called: AORTIC DISSECTION, FAMILIAL, WITH OR WITHOUT AORTIC ANEURYSM. Identifiers: MedGen C3151077, MONDO:0013418, OMIM 613780.

Submissions (2):

Labcorp Genetics (formerly Invitae), Labcorp
Classification: Uncertain significance for Aortic aneurysm, familial thoracic 7. Last evaluated: 2024-09-29. Review status: criteria provided, single submitter. Criteria: Invitae Variant Classification Sherloc (09022015). Collection method: clinical testing. Allele origin: germline.
Comment: This sequence change replaces tyrosine, which is neutral and polar, with serine, which is neutral and polar, at codon 1635 of the MYLK protein (p.Tyr1635Ser). This variant is not present in population databases (gnomAD no frequency). This variant has not been reported in the literature in individuals affected with MYLK-related conditions. ClinVar contains an entry for this variant (Variation ID: 1320472). Invitae Evidence Modeling of protein sequence and biophysical properties (such as structural, functional, and spatial information, amino acid conservation, physicochemical variation, residue mobility, and thermodynamic stability) indicates that this missense variant is not expected to disrupt MYLK protein function with a negative predictive value of 80%. In summary, the available evidence is currently insufficient to determine the role of this variant in disease. Therefore, it has been classified as a Variant of Uncertain Significance.

GeneDx
Classification: Uncertain significance. Last evaluated: 2019-04-01. Review status: criteria provided, single submitter. Criteria: GeneDx Variant Classification Process June 2021. Collection method: clinical testing. Allele origin: germline. Affected: yes.
Comment: Not observed in large population cohorts (Lek et al., 2016); In silico analysis, which includes protein predictors and evolutionary conservation, supports a deleterious effect; Has not been previously published as pathogenic or benign to our knowledge